The following is an entry in ClinVar:

ClinVar aggregate classification (germline): Benign. Review status: criteria provided, multiple submitters, no conflicts (2 of 4 stars). 2 submissions from 2 submitters: Benign (2). Last evaluated 2018-01-12.

Conditions:
White sponge nevus 2 (WSN2). Identifiers: MedGen C4014321, MONDO:0014346, OMIM 615785.

Allele frequency attached by ClinVar (database versions not stated): ExAC 0.00280; 1000 Genomes Project 0.01018; gnomAD 0.00900 and 0.00849; 1000 Genomes Project 30x 0.01124; TOPMed 0.00954; gnomAD exomes 0.00257; ESP Exome Variant Server 0.00869.

Submissions (2):

Illumina Laboratory Services, Illumina
Classification: Benign for White sponge nevus 2. Last evaluated: 2018-01-12. Review status: criteria provided, single submitter. Criteria: ICSL Variant Classification Criteria 13 December 2019. Collection method: clinical testing. Allele origin: germline.
Comment: This variant was observed in the ICSL laboratory as part of a predisposition screen in an ostensibly healthy population. It had not been previously curated by ICSL or reported in the Human Gene Mutation Database (HGMD: prior to June 1st, 2018), and was therefore a candidate for classification through an automated scoring system. Utilizing variant allele frequency, disease prevalence and penetrance estimates, and inheritance mode, an automated score was calculated to assess if this variant is too frequent to cause the disease. Based on the score and internal cut-off values, a variant classified as benign is not then subjected to further curation. The score for this variant resulted in a classification of benign for this disease.

Breakthrough Genomics
Classification: Benign. Review status: criteria provided, single submitter. Criteria: ACMG Guidelines, 2015. Collection method: not provided. Allele origin: germline. Inheritance: Autosomal dominant inheritance. Affected: yes.

NM_153490.3(KRT13):c.177T>C (p.Ser59=)

Gene: KRT13 (keratin 13; minus strand). Cytogenetic location: 17q21.2.
Variant type: single nucleotide variant.
Coding change: c.177T>C on transcript NM_153490.3 (MANE Select); coding-DNA position 177, T replaced by C.
Protein change: p.Ser59=; no amino-acid change (serine 59 retained).
Molecular consequence: synonymous variant.
Genome position (GRCh38, 1-based): chr17:41,505,374, A>G on the plus strand (T>C on the coding strand, the complement: KRT13 is on the minus strand). VCF-style: chr17-41505374-A-G. GRCh37 (hg19) VCF-style: chr17-39661626-A-G.
Other names: c.177T>C, p.Ser59= (NM_002274.4).
Identifiers: ClinVar variation 323107 (VCV000323107.6), dbSNP rs142246675, ClinGen allele CA8560847.
Genomic context (GRCh38, chr17:41,505,374, plus strand): 5'-ACCTCCAAGGCCACCTCCATAGCCACCTCCAAGGCCACCTCCATAGCCACCTCCAAAGCC[A>G]CTACCAGCCCCTCCACCAAAACCACAGCTCACGCCGCCTCCATAGCCCCCAGCTGATCCC-3'
Protein context (NP_705694.3, residues 49-69): VSCGFGGGAG[Ser59=]GFGGGYGGGL